The following is an entry in ClinVar:

NM_004064.5(CDKN1B):c.376G>A (p.Glu126Lys)

Gene: CDKN1B (cyclin dependent kinase inhibitor 1B; plus strand). Cytogenetic location: 12p13.1.
Variant type: single nucleotide variant.
Coding change: c.376G>A on transcript NM_004064.5 (MANE Select); coding-DNA position 376, G replaced by A.
Protein change: p.Glu126Lys; replaces glutamic acid 126 with lysine.
Molecular consequence: missense variant.
Genome position (GRCh38, 1-based): chr12:12,718,215, G>A. VCF-style: chr12-12718215-G-A. GRCh37 (hg19) VCF-style: chr12-12871149-G-A.
Other names: short protein forms E126K.
Identifiers: ClinVar variation 4224744 (VCV004224744.1).

ClinVar aggregate classification (germline): Uncertain significance (1 of 4 stars; one submission).

Conditions:
Hereditary cancer-predisposing syndrome. Also called: Hereditary Cancer Syndrome; Hereditary neoplastic syndrome; Neoplastic Syndromes, Hereditary; Tumor predisposition. Identifiers: Orphanet 140162, MedGen C0027672, MeSH D009386, MONDO:0015356.

gnomAD v4.1: 1 of 1,613,082 alleles (0.000062%); highest among the groups gnomAD compares: Non-Finnish European, 0.000085%; no homozygotes.

Submission:

Ambry Genetics
Classification: Uncertain significance for Hereditary cancer-predisposing syndrome. Last evaluated: 2025-07-23. Review status: criteria provided, single submitter. Criteria: Ambry Variant Classification Scheme 2023. Collection method: clinical testing. Allele origin: germline.
Comment: The p.E126K variant (also known as c.376G>A), located in coding exon 1 of the CDKN1B gene, results from a G to A substitution at nucleotide position 376. The glutamic acid at codon 126 is replaced by lysine, an amino acid with similar properties. This amino acid position is highly conserved in available vertebrate species. In addition, the in silico prediction for this alteration is inconclusive. Based on the available evidence, the clinical significance of this variant remains unclear.